The following is an entry in ClinVar:

NM_001126108.2(SLC12A3):c.1600A>C (p.Asn534His)

Gene: SLC12A3 (solute carrier family 12 member 3; plus strand). Cytogenetic location: 16q13.
Variant type: single nucleotide variant.
Coding change: c.1600A>C on transcript NM_001126108.2 (MANE Select); coding-DNA position 1600, A replaced by C.
Protein change: p.Asn534His; replaces asparagine 534 with histidine.
Molecular consequence: missense variant.
Genome position (GRCh38, 1-based): chr16:56,882,428, A>C. VCF-style: chr16-56882428-A-C. GRCh37 (hg19) VCF-style: chr16-56916340-A-C.
Other names: c.1600A>C (NM_000339.2); c.1600A>C, p.Asn534His (NM_000339.3); c.1597A>C, p.Asn533His (NM_001126107.2, NM_001410896.1); short protein forms N534H, N533H.
Identifiers: ClinVar variation 2081553 (VCV002081553.5), dbSNP rs148909644, ClinGen allele CA8069543.

ClinVar aggregate classification (germline): Uncertain significance. Review status: criteria provided, multiple submitters, no conflicts (2 of 4 stars). 3 submissions from 3 submitters: Uncertain significance (3). Last evaluated 2024-02-29.

Conditions:
Inborn genetic diseases. Identifiers: MedGen C0950123, MeSH D030342.
Familial hypokalemia-hypomagnesemia (GTLMNS). Also called: HYPOMAGNESEMIA-HYPOKALEMIA, PRIMARY RENOTUBULAR, WITH HYPOCALCIURIA; POTASSIUM AND MAGNESIUM DEPLETION; gitelman syndrome. Identifiers: Orphanet 358, MedGen C0268450, MONDO:0009904, OMIM 263800.

Allele frequency attached by ClinVar (database versions not stated): 1000 Genomes Project 30x 0.00016; TOPMed 0.00016; gnomAD 0.00014; 1000 Genomes Project 0.00020; ESP Exome Variant Server 0.00023; gnomAD exomes 0.00001; ExAC 0.00006.
gnomAD v4.1: 44 of 1,613,940 alleles (0.0027%); highest among the groups gnomAD compares: African/African-American, 0.051%; no homozygotes.

Submissions (3):

Fulgent Genetics
Classification: Uncertain significance for Familial hypokalemia-hypomagnesemia. Last evaluated: 2024-02-29. Review status: criteria provided, single submitter. Criteria: ACMG Guidelines, 2015. Collection method: clinical testing. Allele origin: germline.

Ambry Genetics
Classification: Uncertain significance for Inborn genetic diseases. Last evaluated: 2023-12-21. Review status: criteria provided, single submitter. Criteria: Ambry Variant Classification Scheme 2023. Collection method: clinical testing. Allele origin: germline.

Labcorp Genetics (formerly Invitae), Labcorp
Classification: Uncertain significance. Last evaluated: 2023-12-11. Review status: criteria provided, single submitter. Criteria: Invitae Variant Classification Sherloc (09022015). Collection method: clinical testing. Allele origin: germline.
Comment: This sequence change replaces asparagine, which is neutral and polar, with histidine, which is basic and polar, at codon 534 of the SLC12A3 protein (p.Asn534His). This variant is present in population databases (rs148909644, gnomAD 0.05%). This variant has not been reported in the literature in individuals affected with SLC12A3-related conditions. ClinVar contains an entry for this variant (Variation ID: 2081553). Advanced modeling of protein sequence and biophysical properties (such as structural, functional, and spatial information, amino acid conservation, physicochemical variation, residue mobility, and thermodynamic stability) performed at Invitae indicates that this missense variant is expected to disrupt SLC12A3 protein function with a positive predictive value of 95%. In summary, the available evidence is currently insufficient to determine the role of this variant in disease. Therefore, it has been classified as a Variant of Uncertain Significance.